The following is an entry in ClinVar:

ClinVar aggregate classification (germline): Conflicting classifications of pathogenicity. Review status: criteria provided, conflicting classifications (1 of 4 stars). 2 submissions from 2 submitters: Uncertain significance (1); Likely benign (1). Last evaluated 2023-03-25.

Conditions:
Hereditary sensory neuropathy-deafness-dementia syndrome. Also called: Hereditary sensory neuropathy type IE; NEUROPATHY, HEREDITARY SENSORY, WITH HEARING LOSS AND DEMENTIA; Hereditary Sensory and Autonomic Neuropathy Type 1E (HSAN1E); HSN IE. Identifiers: Orphanet 456318, MedGen C3279885, MONDO:0013584, OMIM 614116.

gnomAD v4.1: 9 of 1,613,958 alleles (0.00056%); highest among the groups gnomAD compares: African/African-American, 0.0027%; 1 homozygote.

Submissions (2):

Labcorp Genetics (formerly Invitae), Labcorp
Classification: Likely benign for Hereditary sensory neuropathy-deafness-dementia syndrome. Last evaluated: 2023-03-25. Review status: criteria provided, single submitter. Criteria: Invitae Variant Classification Sherloc (09022015). Collection method: clinical testing. Allele origin: germline.

GeneDx
Classification: Uncertain significance. Last evaluated: 2023-03-21. Review status: criteria provided, single submitter. Criteria: GeneDx Variant Classification Process June 2021. Collection method: clinical testing. Allele origin: germline. Affected: yes.
Comment: Not observed at significant frequency in large population cohorts (gnomAD); In silico analysis supports that this variant does not alter splicing; Has not been previously published as pathogenic or benign to our knowledge

NM_001130823.3(DNMT1):c.3678G>A (p.Arg1226=)

Gene: DNMT1 (DNA methyltransferase 1; minus strand). Cytogenetic location: 19p13.2.
Variant type: single nucleotide variant.
Coding change: c.3678G>A on transcript NM_001130823.3 (MANE Select); coding-DNA position 3678, G replaced by A.
Protein change: p.Arg1226=; no amino-acid change (arginine 1226 retained).
Molecular consequence: synonymous variant.
Genome position (GRCh38, 1-based): chr19:10,140,174, C>T on the plus strand (G>A on the coding strand, the complement: DNMT1 is on the minus strand). VCF-style: chr19-10140174-C-T. GRCh37 (hg19) VCF-style: chr19-10250850-C-T.
Other names: c.3630G>A, p.Arg1210= (NM_001318730.2, NM_001379.4); c.3315G>A, p.Arg1105= (NM_001318731.2).
Identifiers: ClinVar variation 2580396 (VCV002580396.4), dbSNP rs1599346495, ClinGen allele CA505467204.